The following is an entry in ClinVar:

NM_002645.4(PIK3C2A):c.3613T>C (p.Ser1205Pro)

Gene: PIK3C2A (phosphatidylinositol-4-phosphate 3-kinase catalytic subunit type 2 alpha; minus strand). Cytogenetic location: 11p15.1.
Variant type: single nucleotide variant.
Coding change: c.3613T>C on transcript NM_002645.4 (MANE Select); coding-DNA position 3613, T replaced by C.
Protein change: p.Ser1205Pro; replaces serine 1205 with proline.
Molecular consequence: missense variant.
Genome position (GRCh38, 1-based): chr11:17,105,237, A>G on the plus strand (T>C on the coding strand, the complement: PIK3C2A is on the minus strand). VCF-style: chr11-17105237-A-G. GRCh37 (hg19) VCF-style: chr11-17126784-A-G.
Other names: c.3613T>C, p.Ser1205Pro (NM_001321378.2); c.2473T>C, p.Ser825Pro (NM_001321380.2); c.3445T>C, p.Ser1149Pro (NM_001386870.1); short protein forms S1205P, S1149P, S825P.
Identifiers: ClinVar variation 1986627 (VCV001986627.5), dbSNP rs892797218, ClinGen allele CA218419456.
Genomic context (GRCh38, chr11:17,105,237, plus strand): 5'-ATTCTTCTTCAGAGGGATTGTATTTCCTTAGCCACTCTGCAAGTGGTTTATCTTTAAAGG[A>G]TCCTGTCACACCATATTCCACTTGGATTTTCCTGAGGGTATCGGAAGCAGGAACCAGCTC-3'
Protein context (NP_002636.2, residues 1195-1215): KIQVEYGVTG[Ser1205Pro]FKDKPLAEWL

ClinVar aggregate classification (germline): Uncertain significance. Review status: criteria provided, multiple submitters, no conflicts (2 of 4 stars). 2 submissions from 2 submitters: Uncertain significance (2). Last evaluated 2023-08-04.

Allele frequency attached by ClinVar (database versions not stated): TOPMed 0.00002.
gnomAD v4.1: 31 of 1,610,738 alleles (0.0019%); highest among the groups gnomAD compares: Non-Finnish European, 0.0026%; no homozygotes.

Submissions (2):

Labcorp Genetics (formerly Invitae), Labcorp
Classification: Uncertain significance. Last evaluated: 2023-08-04. Review status: criteria provided, single submitter. Criteria: Invitae Variant Classification Sherloc (09022015). Collection method: clinical testing. Allele origin: germline.
Comment: In summary, the available evidence is currently insufficient to determine the role of this variant in disease. Therefore, it has been classified as a Variant of Uncertain Significance. An algorithm developed to predict the effect of missense changes on protein structure and function (PolyPhen-2) suggests that this variant is likely to be disruptive. ClinVar contains an entry for this variant (Variation ID: 1986627). This variant has not been reported in the literature in individuals affected with PIK3C2A-related conditions. This variant is not present in population databases (gnomAD no frequency). This sequence change replaces serine, which is neutral and polar, with proline, which is neutral and non-polar, at codon 1205 of the PIK3C2A protein (p.Ser1205Pro).

Ambry Genetics
Classification: Uncertain significance. Last evaluated: 2022-06-29. Review status: criteria provided, single submitter. Criteria: Ambry Variant Classification Scheme 2023. Collection method: clinical testing. Allele origin: germline.